The following is an entry in ClinVar:

ClinVar aggregate classification (germline): Conflicting classifications of pathogenicity. Review status: criteria provided, conflicting classifications (1 of 4 stars). 7 submissions from 7 submitters: Uncertain significance (3); Likely benign (4). Last evaluated 2025-11-19.

Conditions:
Juvenile polyposis syndrome (JPS). Identifiers: Orphanet 2929, MedGen C0345893, MONDO:0017380, OMIM 174900.
Hereditary cancer-predisposing syndrome. Also called: Tumor predisposition; Hereditary neoplastic syndrome; Neoplastic Syndromes, Hereditary; Hereditary Cancer Syndrome. Identifiers: Orphanet 140162, MedGen C0027672, MeSH D009386, MONDO:0015356.
Polyposis syndrome, hereditary mixed, 2. Identifiers: Orphanet 157794, MedGen C1864730, MONDO:0012405, OMIM 610069.

Allele frequency attached by ClinVar (database versions not stated): TOPMed below 0.00001; ExAC 0.00002; gnomAD exomes 0.00004.

Submissions (7):

Labcorp Genetics (formerly Invitae), Labcorp
Classification: Likely benign for Juvenile polyposis syndrome. Last evaluated: 2025-11-19. Review status: criteria provided, single submitter. Criteria: Invitae Variant Classification Sherloc (09022015). Collection method: clinical testing. Allele origin: germline.

All of Us Research Program, National Institutes of Health
Classification: Likely benign for Juvenile polyposis syndrome. Last evaluated: 2024-07-29. Review status: criteria provided, single submitter. Criteria: ACMG Guidelines, 2015. Collection method: clinical testing. Allele origin: germline. Inheritance: Autosomal dominant inheritance. Observed: 3 variant alleles, 3 heterozygotes.
Comment: This study involves interpretation of variants in research participants for the purpose of population health screening. Participant phenotype was not available at the time of variant classification. Additional details can be found in publication PMID: 35346344, PMCID: PMC8962531

Baylor Genetics
Classification: Uncertain significance for Polyposis syndrome, hereditary mixed, 2. Last evaluated: 2023-09-29. Review status: criteria provided, single submitter. Criteria: ACMG Guidelines, 2015. Collection method: clinical testing. Allele origin: unknown.

Ambry Genetics
Classification: Likely benign for Hereditary cancer-predisposing syndrome. Last evaluated: 2022-01-05. Review status: criteria provided, single submitter. Criteria: Ambry Variant Classification Scheme 2023. Collection method: clinical testing. Allele origin: germline.

Color Diagnostics, LLC DBA Color Health
Classification: Likely benign for Hereditary cancer-predisposing syndrome. Last evaluated: 2021-10-26. Review status: criteria provided, single submitter. Criteria: ACMG Guidelines, 2015. Collection method: clinical testing. Allele origin: germline.

Quest Diagnostics Nichols Institute San Juan Capistrano
Classification: Uncertain significance. Last evaluated: 2020-11-09. Review status: criteria provided, single submitter. Criteria: Quest Diagnostics criteria. Collection method: clinical testing. Allele origin: unknown.

GeneDx
Classification: Uncertain significance. Last evaluated: 2019-11-25. Review status: criteria provided, single submitter. Criteria: GeneDx Variant Classification Process June 2021. Collection method: clinical testing. Allele origin: germline. Affected: yes.
Comment: In silico analysis, which includes protein predictors and evolutionary conservation, supports that this variant does not alter protein structure/function; Observed in an individual with peritoneal cancer (Chan 2018); This variant is associated with the following publications: (PMID: 30093976)

Literature cited by the submitters: PubMed 30093976 (cited by Quest Diagnostics Nichols Institute San Juan Capistrano).

NM_004329.3(BMPR1A):c.563G>A (p.Arg188His)

Gene: BMPR1A (bone morphogenetic protein receptor type 1A; plus strand). Cytogenetic location: 10q23.2.
Variant type: single nucleotide variant.
Coding change: c.563G>A on transcript NM_004329.3 (MANE Select); coding-DNA position 563, G replaced by A.
Protein change: p.Arg188His; replaces arginine 188 with histidine.
Molecular consequence: missense variant.
Genome position (GRCh38, 1-based): chr10:86,912,272, G>A. VCF-style: chr10-86912272-G-A. GRCh37 (hg19) VCF-style: chr10-88672029-G-A.
Other names: short protein forms R188H.
Identifiers: ClinVar variation 219715 (VCV000219715.28), dbSNP rs749780872, ClinGen allele CA350404.